The following is an entry in ClinVar:

ClinVar aggregate classification (germline): Likely benign (1 of 4 stars; one submission).

Submission:

CeGaT Center for Human Genetics Tuebingen
Classification: Likely benign. Last evaluated: 2025-04-01. Review status: criteria provided, single submitter. Criteria: CeGaT Center For Human Genetics Tuebingen Variant Classification Criteria Version 2. Collection method: clinical testing. Allele origin: germline. Affected: yes. Observed: 2 variant alleles.
Comment: KIR2DS4: BP4, BP7

NM_001281971.2(KIR2DS4):c.507A>G (p.Ala169=)

Gene: KIR2DS4 (killer cell immunoglobulin like receptor, two Ig domains and short cytoplasmic tail 4 (gene/pseudogene)). Cytogenetic location: 19q13.42.
Variant type: single nucleotide variant.
Coding change: c.507A>G on transcript NM_001281971.2; coding-DNA position 507, A replaced by G.
Protein change: p.Ala169=; no amino-acid change (alanine 169 retained).
Molecular consequence: synonymous variant.
Genome position (GRCh38, 1-based): chr19:54,839,564, A>G. VCF-style: chr19-54839564-A-G. GRCh37 (hg19) VCF-style: chr19-55351019-A-G.
Other names: c.507A>G, p.Ala169= (NM_001281972.2).
Identifiers: ClinVar variation 2650489 (VCV002650489.23), dbSNP rs1601579369, ClinGen allele CA997209294.
Genomic context (GRCh38, chr19:54,839,564, plus strand): 5'-CAGCTCCATCTATCCAGGGAAGGGGAGGCCCATGAACGTAGGCTCCCTGCAGTGCGCAGC[A>G]TCAACGGAACATTCCAGGCCGACTTTCCTCTGGGCCCTGCCACCCACGGAGGGACCTACA-3'